The following is an entry in ClinVar:

ClinVar aggregate classification (germline): Uncertain significance. Review status: criteria provided, multiple submitters, no conflicts (2 of 4 stars). 2 submissions from 2 submitters: Uncertain significance (2). Last evaluated 2025-09-17.

Conditions:
Inborn genetic diseases. Identifiers: MedGen C0950123, MeSH D030342.
Megaconial type congenital muscular dystrophy (MDCMC). Also called: MUSCULAR DYSTROPHY, CONGENITAL, WITH MITOCHONDRIAL STRUCTURAL ABNORMALITIES; CHKB-Related Muscle Diseases; CHKB-Related Muscular Dystrophy. Identifiers: Orphanet 280671, MedGen C1865233, MONDO:0011246, OMIM 602541.

Allele frequency attached by ClinVar (database versions not stated): gnomAD exomes below 0.00001; gnomAD 0.00001; TOPMed 0.00002; 1000 Genomes Project 0.00020; 1000 Genomes Project 30x 0.00031.
gnomAD v4.1: 3 of 1,614,160 alleles (0.00019%); highest among the groups gnomAD compares: Admixed American, 0.005%; no homozygotes.

Submissions (2):

Labcorp Genetics (formerly Invitae), Labcorp
Classification: Uncertain significance for Megaconial type congenital muscular dystrophy. Last evaluated: 2025-09-17. Review status: criteria provided, single submitter. Criteria: Invitae Variant Classification Sherloc (09022015). Collection method: clinical testing. Allele origin: germline.
Comment: This sequence change replaces serine, which is neutral and polar, with glycine, which is neutral and non-polar, at codon 217 of the CHKB protein (p.Ser217Gly). This variant is not present in population databases (gnomAD no frequency). This variant has not been reported in the literature in individuals affected with CHKB-related conditions. ClinVar contains an entry for this variant (Variation ID: 2166544). Invitae Evidence Modeling of protein sequence and biophysical properties (such as structural, functional, and spatial information, amino acid conservation, physicochemical variation, residue mobility, and thermodynamic stability) indicates that this missense variant is not expected to disrupt CHKB protein function with a negative predictive value of 80%. In summary, the available evidence is currently insufficient to determine the role of this variant in disease. Therefore, it has been classified as a Variant of Uncertain Significance.

Ambry Genetics
Classification: Uncertain significance for Inborn genetic diseases. Last evaluated: 2024-06-19. Review status: criteria provided, single submitter. Criteria: Ambry Variant Classification Scheme 2023. Collection method: clinical testing. Allele origin: germline.

NM_005198.5(CHKB):c.649A>G (p.Ser217Gly)

Genes: CHKB (choline kinase beta; minus strand), CHKB-CPT1B (CHKB-CPT1B readthrough (NMD candidate); minus strand). Cytogenetic location: 22q13.33.
Variant type: single nucleotide variant.
Coding change: c.649A>G on transcript NM_005198.5 (MANE Select); coding-DNA position 649, A replaced by G.
Protein change: p.Ser217Gly; replaces serine 217 with glycine.
Molecular consequence: missense variant. On other transcripts: non-coding transcript variant (1).
Genome position (GRCh38, 1-based): chr22:50,580,593, T>C on the plus strand (A>G on the coding strand, the complement: CHKB is on the minus strand). VCF-style: chr22-50580593-T-C. GRCh37 (hg19) VCF-style: chr22-51019022-T-C.
Other names: short protein forms S217G.
Identifiers: ClinVar variation 2166544 (VCV002166544.3), dbSNP rs565326245, ClinGen allele CA325537580.